The following is an entry in ClinVar:

NM_012154.5(AGO2):c.411C>T (p.Cys137=)

Gene: AGO2 (argonaute RISC catalytic component 2; minus strand). Cytogenetic location: 8q24.3.
Variant type: single nucleotide variant.
Coding change: c.411C>T on transcript NM_012154.5 (MANE Select); coding-DNA position 411, C replaced by T.
Protein change: p.Cys137=; no amino-acid change (cysteine 137 retained).
Molecular consequence: synonymous variant.
Genome position (GRCh38, 1-based): chr8:140,562,560, G>A on the plus strand (C>T on the coding strand, the complement: AGO2 is on the minus strand). VCF-style: chr8-140562560-G-A. GRCh37 (hg19) VCF-style: chr8-141572659-G-A.
Other names: c.411C>T, p.Cys137= (NM_001164623.3).
Identifiers: ClinVar variation 3256979 (VCV003256979.17).

ClinVar aggregate classification (germline): Likely benign (1 of 4 stars; one submission).

gnomAD v4.1: 31 of 1,614,098 alleles (0.0019%); highest among the groups gnomAD compares: African/African-American, 0.0093%; no homozygotes.

Submission:

CeGaT Center for Human Genetics Tuebingen
Classification: Likely benign. Last evaluated: 2024-07-01. Review status: criteria provided, single submitter. Criteria: CeGaT Center For Human Genetics Tuebingen Variant Classification Criteria Version 2. Collection method: clinical testing. Allele origin: germline. Affected: yes. Observed: 1 variant allele.
Comment: AGO2: BP4, BP7